The following is an entry in ClinVar:

NM_001024845.3(SLC6A9):c.535T>C (p.Ser179Pro)

Gene: SLC6A9 (solute carrier family 6 member 9; minus strand). Cytogenetic location: 1p34.1.
Variant type: single nucleotide variant.
Coding change: c.535T>C on transcript NM_001024845.3 (MANE Select); coding-DNA position 535, T replaced by C.
Protein change: p.Ser179Pro; replaces serine 179 with proline.
Molecular consequence: missense variant. On other transcripts: non-coding transcript variant (1).
Genome position (GRCh38, 1-based): chr1:44,008,408, A>G on the plus strand (T>C on the coding strand, the complement: SLC6A9 is on the minus strand). VCF-style: chr1-44008408-A-G. GRCh37 (hg19) VCF-style: chr1-44474080-A-G.
Other names: c.547T>C, p.Ser183Pro (NM_001261380.2); c.202T>C, p.Ser68Pro (NM_001328626.2, NM_001328630.2); c.472T>C, p.Ser158Pro (NM_001328627.1); c.340T>C, p.Ser114Pro (NM_001328628.1); c.535T>C, p.Ser179Pro (NM_001328629.1); c.592T>C, p.Ser198Pro (NM_006934.4); c.754T>C, p.Ser252Pro (NM_201649.4); c.754T>C (NM_201649.2); short protein forms S114P, S183P, S198P, S158P, S179P, S252P, S68P.
Identifiers: ClinVar variation 660073 (VCV000660073.10), dbSNP rs201636712, ClinGen allele CA817775.

ClinVar aggregate classification (germline): Uncertain significance. Review status: criteria provided, multiple submitters, no conflicts (2 of 4 stars). 3 submissions from 3 submitters: Uncertain significance (3). Last evaluated 2025-08-06.

Conditions:
Inborn genetic diseases. Identifiers: MedGen C0950123, MeSH D030342.
Atypical glycine encephalopathy. Also called: Glycine encephalopathy with normal serum glycine. Identifiers: Orphanet 289863, MedGen C4310943, MONDO:0015010, OMIM 617301.

Allele frequency attached by ClinVar (database versions not stated): ExAC 0.00004; gnomAD exomes 0.00005; gnomAD 0.00015; 1000 Genomes Project 30x 0.00016; TOPMed 0.00017; 1000 Genomes Project 0.00020.
gnomAD v4.1: 112 of 1,614,058 alleles (0.0069%); highest among the groups gnomAD compares: African/African-American, 0.056%; no homozygotes.

Submissions (3):

Ambry Genetics
Classification: Uncertain significance for Inborn genetic diseases. Last evaluated: 2025-08-06. Review status: criteria provided, single submitter. Criteria: Ambry Variant Classification Scheme 2023. Collection method: clinical testing. Allele origin: germline.

Labcorp Genetics (formerly Invitae), Labcorp
Classification: Uncertain significance for Atypical glycine encephalopathy. Last evaluated: 2023-06-28. Review status: criteria provided, single submitter. Criteria: Invitae Variant Classification Sherloc (09022015). Collection method: clinical testing. Allele origin: germline.
Comment: This sequence change replaces serine, which is neutral and polar, with proline, which is neutral and non-polar, at codon 252 of the SLC6A9 protein (p.Ser252Pro). This variant is present in population databases (rs201636712, gnomAD 0.06%). This variant has not been reported in the literature in individuals affected with SLC6A9-related conditions. ClinVar contains an entry for this variant (Variation ID: 660073). An algorithm developed to predict the effect of missense changes on protein structure and function (PolyPhen-2) suggests that this variant is likely to be disruptive. In summary, the available evidence is currently insufficient to determine the role of this variant in disease. Therefore, it has been classified as a Variant of Uncertain Significance.

Breakthrough Genomics
Classification: Uncertain significance. Review status: criteria provided, single submitter. Criteria: ACMG Guidelines, 2015. Collection method: not provided. Allele origin: germline. Inheritance: Autosomal recessive inheritance. Affected: yes.